The following is an entry in ClinVar:

NM_001110556.2(FLNA):c.3242G>T (p.Ser1081Ile)

Gene: FLNA (filamin A; minus strand). Cytogenetic location: Xq28.
Variant type: single nucleotide variant.
Coding change: c.3242G>T on transcript NM_001110556.2 (MANE Select); coding-DNA position 3242, G replaced by T.
Protein change: p.Ser1081Ile; replaces serine 1081 with isoleucine.
Molecular consequence: missense variant.
Genome position (GRCh38, 1-based): chrX:154,360,553, C>A on the plus strand (G>T on the coding strand, the complement: FLNA is on the minus strand). VCF-style: chrX-154360553-C-A. GRCh37 (hg19) VCF-style: chrX-153588921-C-A.
Other names: p.Ser1081Ile; c.3242G>T (NM_001456.3); c.3242G>T, p.Ser1081Ile (NM_001456.4); short protein forms S1081I.
Identifiers: ClinVar variation 3375096 (VCV003375096.3).

ClinVar aggregate classification (germline): Uncertain significance. Review status: criteria provided, multiple submitters, no conflicts (2 of 4 stars). 3 submissions from 3 submitters: Uncertain significance (3). Last evaluated 2026-02-24.

Conditions:
Familial thoracic aortic aneurysm and aortic dissection (TAAD). Also called: Thoracic aortic aneurysms and dissections. Identifiers: Orphanet 91387, MedGen C4707243, MONDO:0019625.

gnomAD v4.1: 2 of 1,208,825 alleles (0.00017%); highest among the groups gnomAD compares: South Asian, 0.0035%; no homozygotes.

Submissions (3):

Ambry Genetics
Classification: Uncertain significance for Familial thoracic aortic aneurysm and aortic dissection. Last evaluated: 2026-02-24. Review status: criteria provided, single submitter. Criteria: Ambry Variant Classification Scheme 2023. Collection method: clinical testing. Allele origin: germline.
Comment: The p.S1081I variant (also known as c.3242G>T), located in coding exon 21 of the FLNA gene, results from a G to T substitution at nucleotide position 3242. The serine at codon 1081 is replaced by isoleucine, an amino acid with dissimilar properties. This amino acid position is conserved. In addition, this alteration is predicted to be tolerated by in silico analysis. Based on the available evidence, the clinical significance of this variant remains unclear.

Women's Health and Genetics/Laboratory Corporation of America, LabCorp
Classification: Uncertain significance. Last evaluated: 2024-09-04. Review status: criteria provided, single submitter. Criteria: LabCorp Variant Classification Summary - May 2015. Collection method: clinical testing. Allele origin: germline.
Comment: Variant summary: FLNA c.3242G>T (p.Ser1081Ile) results in a non-conservative amino acid change located in the Filamin/ABP280 repeat (IPR001298) of the encoded protein sequence. Four of five in-silico tools predict a benign effect of the variant on protein function. The variant was absent in 172551 control chromosomes (gnomAD). The available data on variant occurrences in the general population are insufficient to allow any conclusion about variant significance. To our knowledge, no occurrence of c.3242G>T in individuals affected with Periventricular Nodular Heterotopia and no experimental evidence demonstrating its impact on protein function have been reported. No submitters have cited clinical-significance assessments for this variant to ClinVar. Based on the evidence outlined above, the variant was classified as uncertain significance.

Mayo Clinic Laboratories, Mayo Clinic
Classification: Uncertain significance. Last evaluated: 2023-08-16. Review status: criteria provided, single submitter. Criteria: ACMG Guidelines, 2015. Collection method: clinical testing. Allele origin: germline. Observed: 1 variant allele.
Comment: BP4, BP5, PP2, PM2